The following is an entry in ClinVar:

ClinVar aggregate classification (germline): Uncertain significance (1 of 4 stars; one submission).

Conditions:
Hereditary cancer-predisposing syndrome. Also called: Neoplastic Syndromes, Hereditary; Tumor predisposition; Hereditary Cancer Syndrome; Hereditary neoplastic syndrome. Identifiers: Orphanet 140162, MedGen C0027672, MeSH D009386, MONDO:0015356.

gnomAD v4.1: 1 of 1,612,740 alleles (0.000062%); no homozygotes.

Submission:

Ambry Genetics
Classification: Uncertain significance for Hereditary cancer-predisposing syndrome. Last evaluated: 2026-01-17. Review status: criteria provided, single submitter. Criteria: Ambry Variant Classification Scheme 2023. Collection method: clinical testing. Allele origin: germline.
Comment: The p.Y39H variant (also known as c.115T>C), located in coding exon 3 of the SMARCE1 gene, results from a T to C substitution at nucleotide position 115. The tyrosine at codon 39 is replaced by histidine, an amino acid with similar properties. This amino acid position is conserved. In addition, the in silico prediction for this alteration is inconclusive. Based on the available evidence, the clinical significance of this variant remains unclear.

NM_003079.5(SMARCE1):c.115T>C (p.Tyr39His)

Gene: SMARCE1 (SWI/SNF related BAF chromatin remodeling complex subunit E1; minus strand). Cytogenetic location: 17q21.2.
Variant type: single nucleotide variant.
Coding change: c.115T>C on transcript NM_003079.5 (MANE Select); coding-DNA position 115, T replaced by C.
Protein change: p.Tyr39His; replaces tyrosine 39 with histidine.
Molecular consequence: missense variant.
Genome position (GRCh38, 1-based): chr17:40,642,496, A>G on the plus strand (T>C on the coding strand, the complement: SMARCE1 is on the minus strand). VCF-style: chr17-40642496-A-G. GRCh37 (hg19) VCF-style: chr17-38798748-A-G.
Other names: short protein forms Y39H.
Identifiers: ClinVar variation 4845046 (VCV004845046.1).
Genomic context (GRCh38, chr17:40,642,496, plus strand): 5'-TAATAGTTGATTCTCCTACCGTGACCCGGCTGTTGGTGCCCGGGTTCCCTCCCAGCCTGT[A>G]GTTGTTGTAGGCGAGATGACTGTATGGATTGTATCCCACAAACCCTGGTGTGCTGGGCAT-3'
Protein context (NP_003070.3, residues 29-49): NPYSHLAYNN[Tyr39His]RLGGNPGTNS